The following is an entry in ClinVar:

NM_145290.4(ADGRA3):c.1085+4A>G

Gene: ADGRA3 (adhesion G protein-coupled receptor A3; minus strand). Cytogenetic location: 4p15.2.
Variant type: single nucleotide variant.
Coding change: c.1085+4A>G on transcript NM_145290.4 (MANE Select); 4 bases into the intron after coding-DNA position 1085, A replaced by G.
Molecular consequence: intron variant.
Genome position (GRCh38, 1-based): chr4:22,438,252, T>C on the plus strand (A>G on the coding strand, the complement: ADGRA3 is on the minus strand). VCF-style: chr4-22438252-T-C. GRCh37 (hg19) VCF-style: chr4-22439875-T-C.
Identifiers: ClinVar variation 1957124 (VCV001957124.5), dbSNP rs1716473228, ClinGen allele CA1443939906.
Genomic context (GRCh38, chr4:22,438,252, plus strand): 5'-GTCTTAGACAACAGAAGGATCTGGGACAAATTAAACTTTTCCCCGTATTTTCCACAACAC[T>C]GACCTGAAGTCACCTTTGTTGTTTACCACCCTCTCTGGAGGACAGTACTGTGCAGAACTC-3'

ClinVar aggregate classification (germline): Uncertain significance (1 of 4 stars; one submission).

gnomAD v4.1: 1 of 1,608,832 alleles (0.000062%); no homozygotes.

Submission:

Labcorp Genetics (formerly Invitae), Labcorp
Classification: Uncertain significance. Last evaluated: 2022-05-12. Review status: criteria provided, single submitter. Criteria: Invitae Variant Classification Sherloc (09022015). Collection method: clinical testing. Allele origin: germline.
Comment: In summary, the available evidence is currently insufficient to determine the role of this variant in disease. Therefore, it has been classified as a Variant of Uncertain Significance. Variants that disrupt the consensus splice site are a relatively common cause of aberrant splicing (PMID: 17576681, 9536098). Algorithms developed to predict the effect of sequence changes on RNA splicing suggest that this variant may disrupt the consensus splice site. This variant has not been reported in the literature in individuals affected with ADGRA3-related conditions. This variant is not present in population databases (gnomAD no frequency). This sequence change falls in intron 8 of the ADGRA3 gene. It does not directly change the encoded amino acid sequence of the ADGRA3 protein. It affects a nucleotide within the consensus splice site.

Literature cited by the submitters: PubMed 17576681; PubMed 9536098.